The following is an entry in ClinVar:

ClinVar aggregate classification (germline): Uncertain significance (1 of 4 stars; one submission).

Conditions:
Hypertrophic cardiomyopathy. Also called: HYPERTROPHIC MYOCARDIOPATHY. Identifiers: Orphanet 217569, MedGen C0007194, MeSH D002312, MONDO:0005045, HP:0001639.

Allele frequency attached by ClinVar (database versions not stated): gnomAD exomes below 0.00001.
gnomAD v4.1: 4 of 1,612,928 alleles (0.00025%); highest among the groups gnomAD compares: Middle Eastern, 0.017%; no homozygotes.

Submission:

Labcorp Genetics (formerly Invitae), Labcorp
Classification: Uncertain significance for Hypertrophic cardiomyopathy. Last evaluated: 2022-03-13. Review status: criteria provided, single submitter. Criteria: Invitae Variant Classification Sherloc (09022015). Collection method: clinical testing. Allele origin: germline.
Comment: This sequence change replaces glycine, which is neutral and non-polar, with glutamic acid, which is acidic and polar, at codon 1122 of the MYOM1 protein (p.Gly1122Glu). This variant is not present in population databases (gnomAD no frequency). This variant has not been reported in the literature in individuals affected with MYOM1-related conditions. Algorithms developed to predict the effect of missense changes on protein structure and function are either unavailable or do not agree on the potential impact of this missense change (SIFT: "Deleterious"; PolyPhen-2: "Probably Damaging"; Align-GVGD: "Class C0"). In summary, the available evidence is currently insufficient to determine the role of this variant in disease. Therefore, it has been classified as a Variant of Uncertain Significance.

NM_003803.4(MYOM1):c.3365G>A (p.Gly1122Glu)

Gene: MYOM1 (myomesin 1; minus strand). Cytogenetic location: 18p11.31.
Variant type: single nucleotide variant.
Coding change: c.3365G>A on transcript NM_003803.4 (MANE Select); coding-DNA position 3365, G replaced by A.
Protein change: p.Gly1122Glu; replaces glycine 1122 with glutamic acid.
Molecular consequence: missense variant.
Genome position (GRCh38, 1-based): chr18:3,112,351, C>T on the plus strand (G>A on the coding strand, the complement: MYOM1 is on the minus strand). VCF-style: chr18-3112351-C-T. GRCh37 (hg19) VCF-style: chr18-3112349-C-T.
Other names: c.3077G>A, p.Gly1026Glu (NM_019856.2); short protein forms G1122E, G1026E.
Identifiers: ClinVar variation 2175332 (VCV002175332.4), dbSNP rs2510576214, ClinGen allele CA401704741.